The following is an entry in ClinVar:

NM_000038.6(APC):c.301G>T (p.Gly101Ter)

Gene: APC (APC regulator of Wnt signaling pathway; plus strand). Cytogenetic location: 5q22.2.
Variant type: single nucleotide variant.
Coding change: c.301G>T on transcript NM_000038.6 (MANE Select); coding-DNA position 301, G replaced by T.
Protein change: p.Gly101Ter; replaces glycine 101 with a stop codon.
Molecular consequence: nonsense. On other transcripts: 5 prime UTR variant (1).
Genome position (GRCh38, 1-based): chr5:112,767,269, G>T. VCF-style: chr5-112767269-G-T. GRCh37 (hg19) VCF-style: chr5-112102966-G-T.
Other names: c.301G>T, p.Gly101Ter (NM_001127510.3, NM_001354895.2, NM_001354896.2 and 2 more transcripts); c.331G>T, p.Gly111Ter (NM_001127511.3, NM_001354897.2, NM_001354902.2); c.226G>T, p.Gly76Ter (NM_001354898.2, NM_001354904.2); c.124G>T, p.Gly42Ter (NM_001354900.2, NM_001354901.2, NM_001354905.2); c.-735G>T (NM_001354906.2); short protein forms G101*, G111*, G76*, G42*.
Identifiers: ClinVar variation 217958 (VCV000217958.17), dbSNP rs863225335, ClinGen allele CA279710.

ClinVar aggregate classification (germline): Pathogenic. Review status: criteria provided, multiple submitters, no conflicts (2 of 4 stars). 5 submissions from 5 submitters: Pathogenic (4). 1 of the submissions does not count toward it. Last evaluated 2025-10-30.

Conditions:
Hereditary cancer-predisposing syndrome. Also called: Hereditary Cancer Syndrome; Hereditary neoplastic syndrome; Neoplastic Syndromes, Hereditary; Tumor predisposition. Identifiers: Orphanet 140162, MedGen C0027672, MeSH D009386, MONDO:0015356.
Familial adenomatous polyposis 1 (FAP1). Also called: FAMILIAL ADENOMATOUS POLYPOSIS 1, ATTENUATED; POLYPOSIS, ADENOMATOUS INTESTINAL. Identifiers: MedGen C2713442, MONDO:0021056, OMIM 175100. Disease mechanism: loss of function.

Submissions (5):

Labcorp Genetics (formerly Invitae), Labcorp
Classification: Pathogenic for Familial adenomatous polyposis 1. Last evaluated: 2025-10-30. Review status: criteria provided, single submitter. Criteria: Invitae Variant Classification Sherloc (09022015). Collection method: clinical testing. Allele origin: germline.
Comment: This sequence change creates a premature translational stop signal (p.Gly101*) in the APC gene. It is expected to result in an absent or disrupted protein product. Loss-of-function variants in APC are known to be pathogenic (PMID: 17963004, 20685668). This variant is not present in population databases (gnomAD no frequency). This premature translational stop signal has been observed in individual(s) with familial adenomatous polyposis (PMID: 9664575). ClinVar contains an entry for this variant (Variation ID: 217958). For these reasons, this variant has been classified as Pathogenic.

Myriad Genetics, Inc.
Classification: Pathogenic for Familial adenomatous polyposis 1. Last evaluated: 2023-04-25. Review status: criteria provided, single submitter. Criteria: Myriad Autosomal Dominant, Autosomal Recessive and X-Linked Classification Criteria (2023). Collection method: clinical testing. Allele origin: unknown.
Comment: This variant is considered pathogenic. This variant creates a termination codon and is predicted to result in premature protein truncation.

Ambry Genetics
Classification: Pathogenic for Hereditary cancer-predisposing syndrome. Last evaluated: 2021-10-01. Review status: criteria provided, single submitter. Criteria: Ambry Variant Classification Scheme 2023. Collection method: clinical testing. Allele origin: germline.
Comment: The p.G101* pathogenic mutation (also known as c.301G>T), located in coding exon 3 of the APC gene, results from a G to T substitution at nucleotide position 301. This changes the amino acid from a glycine to a stop codon within coding exon 3. This alteration has been reported in familial adenomatous polyposis patients (Kraus C et al. Mol Cell Probes, 1998 Jun;12:143-7; Kerr SE et al. J Mol Diagn, 2013 Jan;15:31-43). In addition to the clinical data presented in the literature, this alteration is expected to result in loss of function by premature protein truncation or nonsense-mediated mRNA decay. As such, this alteration is interpreted as a disease-causing mutation.

Baylor Genetics
Classification: Pathogenic for Familial adenomatous polyposis 1. Last evaluated: 2021-06-29. Review status: criteria provided, single submitter. Criteria: ACMG Guidelines, 2015. Collection method: clinical testing. Allele origin: unknown.

Mayo Clinic Laboratories, Mayo Clinic
Classification: Likely pathogenic. Review status: no assertion criteria provided. Collection method: research. Allele origin: unknown. Observed: 1 variant allele. Not counted in ClinVar's aggregate classification.

Literature cited by the submitters: PubMed 17963004 (cited by Labcorp Genetics (formerly Invitae), Labcorp); PubMed 20685668 (cited by Labcorp Genetics (formerly Invitae), Labcorp); PubMed 9664575 (cited by Labcorp Genetics (formerly Invitae), Labcorp and Ambry Genetics); PubMed 23159591 (cited by Ambry Genetics).